The following is an entry in ClinVar:

NM_001038.6(SCNN1A):c.*914A>G

Gene: SCNN1A (sodium channel epithelial 1 subunit alpha; minus strand). Cytogenetic location: 12p13.31.
Variant type: single nucleotide variant.
Coding change: c.*914A>G on transcript NM_001038.6 (MANE Select); 914 bases downstream of the stop codon, A replaced by G.
Molecular consequence: 3 prime UTR variant.
Genome position (GRCh38, 1-based): chr12:6,346,959, T>C on the plus strand (A>G on the coding strand, the complement: SCNN1A is on the minus strand). VCF-style: chr12-6346959-T-C. GRCh37 (hg19) VCF-style: chr12-6456125-T-C.
Other names: c.*914A>G (NM_001159575.2, NM_001159576.2).
Identifiers: ClinVar variation 310119 (VCV000310119.6), dbSNP rs62619209, ClinGen allele CA10633446.

ClinVar aggregate classification (germline): Conflicting classifications of pathogenicity. Review status: criteria provided, conflicting classifications (1 of 4 stars). 3 submissions from 2 submitters: Uncertain significance (1); Benign (1); Likely benign (1). Last evaluated 2021-05-19.

Conditions:
Pseudohypoaldosteronism, type IB1, autosomal recessive. Also called: Pseudohypoaldosteronism, Type I, Autosomal Recessive; PHA I, AUTOSOMAL RECESSIVE; Pseudohypoaldosteronism, Type I, Recessive; Autosomal recessive pseudohypoaldosteronism type 1. Identifiers: Orphanet 171876, Orphanet 756, MedGen C5774176, MONDO:0009917, OMIM 264350.
Bronchiectasis with or without elevated sweat chloride 2 (BESC2). Identifiers: Orphanet 60033, MedGen C2751666, MONDO:0013087, OMIM 613021.

Allele frequency attached by ClinVar (database versions not stated): 1000 Genomes Project 30x 0.00234; 1000 Genomes Project 0.00240; TOPMed 0.00688; gnomAD 0.00763 and 0.00770; gnomAD exomes 0.00909.
gnomAD v4.1: 1,149 of 152,730 alleles (0.75%); highest among the groups gnomAD compares: Non-Finnish European, 1.2%; 4 homozygotes.

Submissions (3):

GeneDx
Classification: Likely benign. Last evaluated: 2021-05-19. Review status: criteria provided, single submitter. Criteria: GeneDx Variant Classification Process June 2021. Collection method: clinical testing. Allele origin: germline. Affected: yes.

Illumina Laboratory Services, Illumina
Classification: Uncertain significance for Pseudohypoaldosteronism, type IB1, autosomal recessive. Last evaluated: 2018-01-13. Review status: criteria provided, single submitter. Criteria: ICSL Variant Classification Criteria 13 December 2019. Collection method: clinical testing. Allele origin: germline.

Illumina Laboratory Services, Illumina
Classification: Benign for Bronchiectasis with or without elevated sweat chloride 2. Last evaluated: 2018-01-13. Review status: criteria provided, single submitter. Criteria: ICSL Variant Classification Criteria 13 December 2019. Collection method: clinical testing. Allele origin: germline.
Comment: This variant was observed in the ICSL laboratory as part of a predisposition screen in an ostensibly healthy population. It had not been previously curated by ICSL or reported in the Human Gene Mutation Database (HGMD: prior to June 1st, 2018), and was therefore a candidate for classification through an automated scoring system. Utilizing variant allele frequency, disease prevalence and penetrance estimates, and inheritance mode, an automated score was calculated to assess if this variant is too frequent to cause the disease. Based on the score and internal cut-off values, a variant classified as benign is not then subjected to further curation. The score for this variant resulted in a classification of benign for this disease.